The following is an entry in ClinVar:

NM_006767.4(LZTR1):c.1582_1583insA (p.Leu528fs)

Gene: LZTR1 (leucine zipper like post translational regulator 1; plus strand). Cytogenetic location: 22q11.21.
Variant type: Insertion.
Coding change: c.1582_1583insA on transcript NM_006767.4 (MANE Select); coding-DNA positions 1582 to 1583, A inserted.
Protein change: p.Leu528fs; shifts the reading frame from leucine 528.
Molecular consequence: frameshift variant.
Genome position: GRCh38 VCF-style: chr22-20994236-C-CA. GRCh37 (hg19) VCF-style: chr22-21348525-C-CA.
Other names: short protein forms L528fs.
Identifiers: ClinVar variation 3726792 (VCV003726792.2).

ClinVar aggregate classification (germline): Pathogenic (1 of 4 stars; one submission).

Submission:

Labcorp Genetics (formerly Invitae), Labcorp
Classification: Pathogenic. Last evaluated: 2024-12-07. Review status: criteria provided, single submitter. Criteria: Invitae Variant Classification Sherloc (09022015). Collection method: clinical testing. Allele origin: germline.
Comment: This sequence change creates a premature translational stop signal (p.Leu528Hisfs*141) in the LZTR1 gene. It is expected to result in an absent or disrupted protein product. Loss-of-function variants in LZTR1 are known to be pathogenic (PMID: 24362817, 25335493, 25480913, 25795793, 29469822, 30368668, 30442762, 30442766, 30481304, 30859559). This variant is not present in population databases (gnomAD no frequency). This variant has not been reported in the literature in individuals affected with LZTR1-related conditions. For these reasons, this variant has been classified as Pathogenic.

Literature cited by the submitters: PubMed 24362817; PubMed 25335493; PubMed 25480913; PubMed 25795793; PubMed 29469822; PubMed 30368668; PubMed 30442762; PubMed 30442766; PubMed 30481304; PubMed 30859559.